The following is an entry in ClinVar:

ClinVar aggregate classification (germline): Uncertain significance (1 of 4 stars; one submission).

Conditions:
Amyotrophic lateral sclerosis type 4 (ALS4). Also called: AMYOTROPHIC LATERAL SCLEROSIS 4, JUVENILE; NEURONOPATHY, DISTAL HEREDITARY MOTOR, WITH PYRAMIDAL FEATURES. Identifiers: Orphanet 357043, MedGen C1865409, MONDO:0011223, OMIM 602433.
Spinocerebellar ataxia, autosomal recessive, with axonal neuropathy 2 (SCAN2). Also called: ATAXIA-OCULOMOTOR APRAXIA 2; Ataxia with Oculomotor Apraxia Type 2; Ataxia-ocular apraxia-2; Ataxia with Oculomotor Apraxia. Identifiers: Orphanet 64753, MedGen C1853761, MONDO:0018996, OMIM 606002.

Submission:

Labcorp Genetics (formerly Invitae), Labcorp
Classification: Uncertain significance for Amyotrophic lateral sclerosis type 4; Spinocerebellar ataxia, autosomal recessive, with axonal neuropathy 2. Last evaluated: 2024-12-15. Review status: criteria provided, single submitter. Criteria: Invitae Variant Classification Sherloc (09022015). Collection method: clinical testing. Allele origin: germline.
Comment: This sequence change replaces glutamic acid, which is acidic and polar, with lysine, which is basic and polar, at codon 487 of the SETX protein (p.Glu487Lys). This variant is not present in population databases (gnomAD no frequency). This variant has not been reported in the literature in individuals affected with SETX-related conditions. Invitae Evidence Modeling of protein sequence and biophysical properties (such as structural, functional, and spatial information, amino acid conservation, physicochemical variation, residue mobility, and thermodynamic stability) indicates that this missense variant is not expected to disrupt SETX protein function with a negative predictive value of 95%. In summary, the available evidence is currently insufficient to determine the role of this variant in disease. Therefore, it has been classified as a Variant of Uncertain Significance.

NM_015046.7(SETX):c.1459G>A (p.Glu487Lys)

Gene: SETX (senataxin; minus strand). Cytogenetic location: 9q34.13.
Variant type: single nucleotide variant.
Coding change: c.1459G>A on transcript NM_015046.7 (MANE Select); coding-DNA position 1459, G replaced by A.
Protein change: p.Glu487Lys; replaces glutamic acid 487 with lysine.
Molecular consequence: missense variant.
Genome position (GRCh38, 1-based): chr9:132,330,139, C>T on the plus strand (G>A on the coding strand, the complement: SETX is on the minus strand). VCF-style: chr9-132330139-C-T. GRCh37 (hg19) VCF-style: chr9-135205526-C-T.
Other names: c.1459G>A, p.Glu487Lys (NM_001351527.2, NM_001351528.2); short protein forms E487K.
Identifiers: ClinVar variation 3753935 (VCV003753935.2).